The following is an entry in ClinVar:

NM_005343.4(HRAS):c.68T>G (p.Leu23Arg)

Genes: HRAS (HRas proto-oncogene, GTPase; minus strand), LRRC56 (leucine rich repeat containing 56; plus strand). Cytogenetic location: 11p15.5.
Variant type: single nucleotide variant.
Coding change: c.68T>G on transcript NM_005343.4 (MANE Select); coding-DNA position 68, T replaced by G.
Protein change: p.Leu23Arg; replaces leucine 23 with arginine.
Molecular consequence: missense variant. On other transcripts: 5 prime UTR variant (1).
Genome position (GRCh38, 1-based): chr11:534,255, A>C on the plus strand (T>G on the coding strand, the complement: HRAS is on the minus strand). VCF-style: chr11-534255-A-C. GRCh37 (hg19) VCF-style: chr11-534255-A-C.
Other names: c.68T>G, p.Leu23Arg (NM_001130442.3, NM_176795.5); c.-252T>G (NM_001318054.2); short protein forms L23R.
Identifiers: ClinVar variation 3777048 (VCV003777048.2).

ClinVar aggregate classification (germline): Conflicting classifications of pathogenicity. Review status: criteria provided, conflicting classifications (1 of 4 stars). 2 submissions from 2 submitters: Likely pathogenic (1); Uncertain significance (1). Last evaluated 2025-04-07.

Conditions:
Costello syndrome (CSTLO). Also called: FACIOCUTANEOSKELETAL SYNDROME; FCS SYNDROME; HRAS-Related Costello Syndrome. Identifiers: Orphanet 3071, MedGen C0587248, MONDO:0009026, OMIM 218040.

Submissions (2):

Department of Human Genetics, University Hospital Bern, Inselspital
Classification: Likely pathogenic for Costello syndrome. Last evaluated: 2025-04-07. Review status: criteria provided, single submitter. Criteria: ACMG Guidelines, 2015. Collection method: clinical testing. Allele origin: de novo. Inheritance: Autosomal dominant inheritance. Affected: yes. Observed: 1 heterozygote.
Comment: PM2, PM1, PP3, PS2_mod.

Blueprint Genetics
Classification: Uncertain significance. Last evaluated: 2024-01-12. Review status: criteria provided, single submitter. Criteria: ACMG Guidelines, 2015. Collection method: clinical testing. Allele origin: germline.

Literature cited by the submitters: NCBI Bookshelf NBK1507 (cited by Department of Human Genetics, University Hospital Bern, Inselspital).